The following is an entry in ClinVar:

ClinVar aggregate classification (germline): Likely benign. Review status: criteria provided, multiple submitters, no conflicts (2 of 4 stars). 2 submissions from 2 submitters: Likely benign (2). Last evaluated 2023-08-30.

Allele frequency attached by ClinVar (database versions not stated): gnomAD exomes below 0.00001; TOPMed below 0.00001.

Submissions (2):

Labcorp Genetics (formerly Invitae), Labcorp
Classification: Likely benign. Last evaluated: 2023-08-30. Review status: criteria provided, single submitter. Criteria: Invitae Variant Classification Sherloc (09022015). Collection method: clinical testing. Allele origin: germline.

CeGaT Center for Human Genetics Tuebingen
Classification: Likely benign. Last evaluated: 2022-06-01. Review status: criteria provided, single submitter. Criteria: CeGaT Center For Human Genetics Tuebingen Variant Classification Criteria Version 2. Collection method: clinical testing. Allele origin: germline. Affected: yes. Observed: 1 variant allele.
Comment: TCF20: BP3

NM_001378418.1(TCF20):c.163_165del (p.Ser55del)

Gene: TCF20 (transcription factor 20; minus strand). Cytogenetic location: 22q13.2.
Variant type: Deletion.
Coding change: c.163_165del on transcript NM_001378418.1 (MANE Select); coding-DNA positions 163 to 165, 3 bases deleted (AGT; older notation c.163_165delAGT).
Protein change: p.Ser55del; deletes serine 55.
Molecular consequence: inframe deletion.
Genome position (GRCh38, 1-based): chr22:42,215,141-42,215,143, ACT deleted on the plus strand (AGT on the coding strand, the reverse complement: TCF20 is on the minus strand). VCF-style (leftmost placement, unchanged base first): chr22-42215140-CACT-C. GRCh37 (hg19) VCF-style: chr22-42611146-CACT-C.
Other names: c.163_165del, p.Ser55del (NM_005650.4, NM_181492.3); short protein forms S55del.
Identifiers: ClinVar variation 1695048 (VCV001695048.34), dbSNP rs1287902433, ClinGen allele CA639828748.
Genomic context (GRCh38, chr22:42,215,140, plus strand): 5'-GGCCAGAGGTCTCGCTAGCCATCGCTGCCGCAGCAGCTGCTGCTCCTCGTCGTCCACCAC[CACT>C]GCCACTGCCACTGCTGCCACTACTGCCACCTGTACCTCCAAAATTCTGGAACATCTGGGC-3'